The following is an entry in ClinVar:

ClinVar aggregate classification (germline): Uncertain significance (1 of 4 stars; one submission).

Allele frequency attached by ClinVar (database versions not stated): gnomAD exomes below 0.00001.
gnomAD v4.1: 2 of 1,513,734 alleles (0.00013%); highest among the groups gnomAD compares: Non-Finnish European, 0.00018%; no homozygotes.

Submission:

Labcorp Genetics (formerly Invitae), Labcorp
Classification: Uncertain significance. Last evaluated: 2025-06-23. Review status: criteria provided, single submitter. Criteria: Invitae Variant Classification Sherloc (09022015). Collection method: clinical testing. Allele origin: germline.
Comment: This sequence change replaces glycine, which is neutral and non-polar, with aspartic acid, which is acidic and polar, at codon 451 of the IL2RB protein (p.Gly451Asp). This variant is not present in population databases (gnomAD no frequency). This variant has not been reported in the literature in individuals affected with IL2RB-related conditions. ClinVar contains an entry for this variant (Variation ID: 1439715). An algorithm developed to predict the effect of missense changes on protein structure and function (PolyPhen-2) suggests that this variant is likely to be tolerated. In summary, the available evidence is currently insufficient to determine the role of this variant in disease. Therefore, it has been classified as a Variant of Uncertain Significance.

NM_000878.5(IL2RB):c.1352G>A (p.Gly451Asp)

Gene: IL2RB (interleukin 2 receptor subunit beta; minus strand). Cytogenetic location: 22q12.3.
Variant type: single nucleotide variant.
Coding change: c.1352G>A on transcript NM_000878.5 (MANE Select); coding-DNA position 1352, G replaced by A.
Protein change: p.Gly451Asp; replaces glycine 451 with aspartic acid.
Molecular consequence: missense variant.
Genome position (GRCh38, 1-based): chr22:37,128,400, C>T on the plus strand (G>A on the coding strand, the complement: IL2RB is on the minus strand). VCF-style: chr22-37128400-C-T. GRCh37 (hg19) VCF-style: chr22-37524440-C-T.
Other names: c.1352G>A, p.Gly451Asp (NM_001346222.1, NM_001346223.2); short protein forms G451D.
Identifiers: ClinVar variation 1439715 (VCV001439715.4), dbSNP rs917715372, ClinGen allele CA324043181.